The following is an entry in ClinVar:

ClinVar aggregate classification (germline): Uncertain significance (1 of 4 stars; one submission).

gnomAD v4.1: 2 of 1,549,402 alleles (0.00013%); highest among the groups gnomAD compares: South Asian, 0.0012%; no homozygotes.

Submission:

Labcorp Genetics (formerly Invitae), Labcorp
Classification: Uncertain significance. Last evaluated: 2024-01-25. Review status: criteria provided, single submitter. Criteria: Invitae Variant Classification Sherloc (09022015). Collection method: clinical testing. Allele origin: germline.
Comment: This sequence change replaces glycine, which is neutral and non-polar, with aspartic acid, which is acidic and polar, at codon 516 of the ZNF469 protein (p.Gly516Asp). This variant is not present in population databases (gnomAD no frequency). This variant has not been reported in the literature in individuals affected with ZNF469-related conditions. Algorithms developed to predict the effect of missense changes on protein structure and function output the following: SIFT: "Not Available"; PolyPhen-2: "Benign"; Align-GVGD: "Not Available". The aspartic acid amino acid residue is found in multiple mammalian species, which suggests that this missense change does not adversely affect protein function. In summary, the available evidence is currently insufficient to determine the role of this variant in disease. Therefore, it has been classified as a Variant of Uncertain Significance.

NM_001367624.2(ZNF469):c.1547G>A (p.Gly516Asp)

Gene: ZNF469 (zinc finger protein 469; plus strand). Cytogenetic location: 16q24.2.
Variant type: single nucleotide variant.
Coding change: c.1547G>A on transcript NM_001367624.2 (MANE Select); coding-DNA position 1547, G replaced by A.
Protein change: p.Gly516Asp; replaces glycine 516 with aspartic acid.
Molecular consequence: missense variant.
Genome position (GRCh38, 1-based): chr16:88,429,017, G>A. VCF-style: chr16-88429017-G-A. GRCh37 (hg19) VCF-style: chr16-88495425-G-A.
Other names: short protein forms G516D.
Identifiers: ClinVar variation 2805414 (VCV002805414.3), dbSNP rs753160761, ClinGen allele CA397067600.